The following is an entry in ClinVar:

ClinVar aggregate classification (germline): Likely benign. Review status: criteria provided, multiple submitters, no conflicts (2 of 4 stars). 2 submissions from 2 submitters: Likely benign (2). Last evaluated 2025-01-07.

Conditions:
Hereditary diffuse gastric adenocarcinoma (HDGC). Also called: DIFFUSE GASTRIC AND LOBULAR BREAST CANCER SYNDROME. Identifiers: Orphanet 26106, MedGen C1708349, MONDO:0007648, OMIM 137215.

Allele frequency attached by ClinVar (database versions not stated): gnomAD exomes below 0.00001.
gnomAD v4.1: 1 of 1,567,152 alleles (0.000064%); highest among the groups gnomAD compares: Non-Finnish European, 0.000088%; no homozygotes.

Submissions (2):

Labcorp Genetics (formerly Invitae), Labcorp
Classification: Likely benign. Last evaluated: 2025-01-07. Review status: criteria provided, single submitter. Criteria: Invitae Variant Classification Sherloc (09022015). Collection method: clinical testing. Allele origin: germline.

Myriad Genetics, Inc.
Classification: Likely benign for Hereditary diffuse gastric adenocarcinoma. Last evaluated: 2024-10-14. Review status: criteria provided, single submitter. Criteria: Myriad Autosomal Dominant, Autosomal Recessive and X-Linked Classification Criteria (2023). Collection method: clinical testing. Allele origin: unknown.
Comment: This variant is considered likely benign. This variant is intronic and is not expected to impact mRNA splicing.

NM_001903.5(CTNNA1):c.2193-17C>T

Gene: CTNNA1 (catenin alpha 1; plus strand). Cytogenetic location: 5q31.2.
Variant type: single nucleotide variant.
Coding change: c.2193-17C>T on transcript NM_001903.5 (MANE Select); 17 bases into the intron before coding-DNA position 2193, C replaced by T.
Molecular consequence: intron variant.
Genome position (GRCh38, 1-based): chr5:138,930,813, C>T. VCF-style: chr5-138930813-C-T. GRCh37 (hg19) VCF-style: chr5-138266502-C-T.
Other names: c.2193-17C>T (NM_001323982.2, NM_001323984.2, NM_001290307.3 and 2 more transcripts); c.2100-17C>T (NM_001323986.2); c.1824-17C>T (NM_001290310.3); c.1884-17C>T (NM_001290309.3); c.1083-17C>T (NM_001323996.1, NM_001323993.1, NM_001324005.1 and 17 more transcripts); c.744-17C>T (NM_001324007.1, NM_001324009.1, NM_001324006.1 and 2 more transcripts); c.840-17C>T (NM_001324013.1, NM_001324012.1); c.990-17C>T (NM_001324011.1).
Identifiers: ClinVar variation 1585717 (VCV001585717.9), dbSNP rs1246160436, ClinGen allele CA804564289.